The following is an entry in ClinVar:

ClinVar aggregate classification (germline): Likely benign. Review status: criteria provided, multiple submitters, no conflicts (2 of 4 stars). 2 submissions from 2 submitters: Likely benign (2). Last evaluated 2026-04-09.

Conditions:
PCNT-related disorder. Also called: PCNT-related condition.

Allele frequency attached by ClinVar (database versions not stated): gnomAD 0.00001; TOPMed 0.00001.
gnomAD v4.1: 6 of 1,563,538 alleles (0.00038%); highest among the groups gnomAD compares: East Asian, 0.0095%; no homozygotes.

Submissions (2):

PreventionGenetics, part of Exact Sciences
Classification: Likely benign for PCNT-related condition. Last evaluated: 2026-04-09. Review status: criteria provided, single submitter. Criteria: ACMG Guidelines, 2015. Collection method: clinical testing. Allele origin: germline.
Comment: This variant is classified as likely benign based on ACMG/AMP sequence variant interpretation guidelines (Richards et al. 2015 PMID: 25741868, with internal and published modifications).

Labcorp Genetics (formerly Invitae), Labcorp
Classification: Likely benign. Last evaluated: 2023-12-12. Review status: criteria provided, single submitter. Criteria: Invitae Variant Classification Sherloc (09022015). Collection method: clinical testing. Allele origin: germline.

NM_006031.6(PCNT):c.7992C>G (p.Ala2664=)

Gene: PCNT (pericentrin; plus strand). Cytogenetic location: 21q22.3.
Variant type: single nucleotide variant.
Coding change: c.7992C>G on transcript NM_006031.6 (MANE Select); coding-DNA position 7992, C replaced by G.
Protein change: p.Ala2664=; no amino-acid change (alanine 2664 retained).
Molecular consequence: synonymous variant.
Genome position (GRCh38, 1-based): chr21:46,430,585, C>G. VCF-style: chr21-46430585-C-G. GRCh37 (hg19) VCF-style: chr21-47850499-C-G.
Other names: c.7992C>G (NM_006031.5); c.7638C>G, p.Ala2546= (NM_001315529.2).
Identifiers: ClinVar variation 3003100 (VCV003003100.4), dbSNP rs1175343231, ClinGen allele CA512746377.